The following is an entry in ClinVar:

NM_001308093.3(GATA4):c.836C>T (p.Thr279Ile)

Gene: GATA4 (GATA binding protein 4). Cytogenetic location: 8p23.1.
Variant type: single nucleotide variant.
Coding change: c.836C>T on transcript NM_001308093.3 (MANE Select); coding-DNA position 836, C replaced by T.
Protein change: p.Thr279Ile; replaces threonine 279 with isoleucine.
Molecular consequence: missense variant. On other transcripts: intron variant (1).
Genome position (GRCh38, 1-based): chr8:11,750,160, C>T. VCF-style: chr8-11750160-C-T. GRCh37 (hg19) VCF-style: chr8-11607669-C-T.
Other names: c.215C>T, p.Thr72Ile (NM_001308094.2, NM_001374273.1); c.833C>T, p.Thr278Ile (NM_002052.5); c.165+1075C>T (NM_001374274.1); short protein forms T278I, T279I, T72I.
Identifiers: ClinVar variation 1303005 (VCV001303005.4), dbSNP rs1203275387, ClinGen allele CA370313001.

ClinVar aggregate classification (germline): Uncertain significance. Review status: criteria provided, multiple submitters, no conflicts (2 of 4 stars). 2 submissions from 2 submitters: Uncertain significance (2). Last evaluated 2024-09-24.

Conditions:
Atrioventricular septal defect 4 (AVSD4). Identifiers: MedGen C3280781, MONDO:0013747, OMIM 614430.

gnomAD v4.1: 1 of 1,613,976 alleles (0.000062%); highest among the groups gnomAD compares: Non-Finnish European, 0.000085%; no homozygotes.

Submissions (2):

Labcorp Genetics (formerly Invitae), Labcorp
Classification: Uncertain significance for Atrioventricular septal defect 4. Last evaluated: 2024-09-24. Review status: criteria provided, single submitter. Criteria: Invitae Variant Classification Sherloc (09022015). Collection method: clinical testing. Allele origin: germline.
Comment: This sequence change replaces threonine, which is neutral and polar, with isoleucine, which is neutral and non-polar, at codon 278 of the GATA4 protein (p.Thr278Ile). This variant is not present in population databases (gnomAD no frequency). This variant has not been reported in the literature in individuals affected with GATA4-related conditions. ClinVar contains an entry for this variant (Variation ID: 1303005). Invitae Evidence Modeling of protein sequence and biophysical properties (such as structural, functional, and spatial information, amino acid conservation, physicochemical variation, residue mobility, and thermodynamic stability) indicates that this missense variant is expected to disrupt GATA4 protein function with a positive predictive value of 80%. In summary, the available evidence is currently insufficient to determine the role of this variant in disease. Therefore, it has been classified as a Variant of Uncertain Significance.

GeneDx
Classification: Uncertain significance. Last evaluated: 2020-01-21. Review status: criteria provided, single submitter. Criteria: GeneDx Variant Classification Process June 2021. Collection method: clinical testing. Allele origin: germline. Affected: yes.
Comment: Has not been previously published as pathogenic or benign to our knowledge; Not observed in large population cohorts (Lek et al., 2016); In silico analysis, which includes protein predictors and evolutionary conservation, supports a deleterious effect